The following is an entry in ClinVar:

ClinVar aggregate classification (germline): Uncertain significance. Review status: criteria provided, multiple submitters, no conflicts (2 of 4 stars). 2 submissions from 2 submitters: Uncertain significance (2). Last evaluated 2025-08-11.

Conditions:
Renal cell carcinoma. Identifiers: Orphanet 217071, MedGen C0007134, MeSH D002292, MONDO:0005086, HP:0005584.
Hereditary cancer-predisposing syndrome. Also called: Hereditary Cancer Syndrome; Hereditary neoplastic syndrome; Tumor predisposition; Neoplastic Syndromes, Hereditary. Identifiers: Orphanet 140162, MedGen C0027672, MeSH D009386, MONDO:0015356.

Allele frequency attached by ClinVar (database versions not stated): gnomAD exomes below 0.00001; ExAC 0.00001.

Submissions (2):

Ambry Genetics
Classification: Uncertain significance for Hereditary cancer-predisposing syndrome. Last evaluated: 2025-08-11. Review status: criteria provided, single submitter. Criteria: Ambry Variant Classification Scheme 2023. Collection method: clinical testing. Allele origin: germline.
Comment: The p.L605F variant (also known as c.1813C>T), located in coding exon 5 of the MET gene, results from a C to T substitution at nucleotide position 1813. The leucine at codon 605 is replaced by phenylalanine, an amino acid with highly similar properties. This amino acid position is not well conserved in available vertebrate species. In addition, this alteration is predicted to be tolerated by in silico analysis. Since supporting evidence is limited at this time, the clinical significance of this alteration remains unclear.

Labcorp Genetics (formerly Invitae), Labcorp
Classification: Uncertain significance for Renal cell carcinoma. Last evaluated: 2024-10-22. Review status: criteria provided, single submitter. Criteria: Invitae Variant Classification Sherloc (09022015). Collection method: clinical testing. Allele origin: germline.
Comment: This sequence change replaces leucine, which is neutral and non-polar, with phenylalanine, which is neutral and non-polar, at codon 605 of the MET protein (p.Leu605Phe). This variant is present in population databases (rs774945178, gnomAD 0.0009%). This variant has not been reported in the literature in individuals affected with MET-related conditions. ClinVar contains an entry for this variant (Variation ID: 841207). Invitae Evidence Modeling of protein sequence and biophysical properties (such as structural, functional, and spatial information, amino acid conservation, physicochemical variation, residue mobility, and thermodynamic stability) indicates that this missense variant is not expected to disrupt MET protein function with a negative predictive value of 80%. In summary, the available evidence is currently insufficient to determine the role of this variant in disease. Therefore, it has been classified as a Variant of Uncertain Significance.

NM_000245.4(MET):c.1813C>T (p.Leu605Phe)

Gene: MET (MET proto-oncogene, receptor tyrosine kinase; plus strand). Cytogenetic location: 7q31.2.
Variant type: single nucleotide variant.
Coding change: c.1813C>T on transcript NM_000245.4 (MANE Select); coding-DNA position 1813, C replaced by T.
Protein change: p.Leu605Phe; replaces leucine 605 with phenylalanine.
Molecular consequence: missense variant.
Genome position (GRCh38, 1-based): chr7:116,755,466, C>T. VCF-style: chr7-116755466-C-T. GRCh37 (hg19) VCF-style: chr7-116395520-C-T.
Other names: c.1813C>T, p.Leu605Phe (NM_001127500.3, NM_001324401.3); c.523C>T, p.Leu175Phe (NM_001324402.2); short protein forms L175F, L605F.
Identifiers: ClinVar variation 841207 (VCV000841207.12), dbSNP rs774945178, ClinGen allele CA4448281.